The following is an entry in ClinVar:

NM_020919.4(ALS2):c.4838+1G>A

Gene: ALS2 (alsin Rho guanine nucleotide exchange factor ALS2; minus strand). Cytogenetic location: 2q33.1.
Variant type: single nucleotide variant.
Coding change: c.4838+1G>A on transcript NM_020919.4 (MANE Select); the canonical splice donor site of the intron after coding-DNA position 4838, G replaced by A.
Molecular consequence: splice donor variant.
Genome position (GRCh38, 1-based): chr2:201,704,453, C>T on the plus strand (G>A on the coding strand, the complement: ALS2 is on the minus strand). VCF-style: chr2-201704453-C-T. GRCh37 (hg19) VCF-style: chr2-202569176-C-T.
Other names: c.4835+1G>A (NM_001410975.1).
Identifiers: ClinVar variation 2862603 (VCV002862603.3), dbSNP rs1014953504, ClinGen allele CA63977366.

ClinVar aggregate classification (germline): Likely pathogenic (1 of 4 stars; one submission).

Conditions:
Infantile-onset ascending hereditary spastic paralysis (IAHSP). Also called: Autosomal Recessive Juvenile Amyotrophic Lateral Sclerosis; Infantile-Onset Ascending Hereditary Spastic Paralysis (IAHSP). Identifiers: Orphanet 293168, MedGen C2931441, MONDO:0011797, OMIM 607225. Disease mechanism: loss of function.

Allele frequency attached by ClinVar (database versions not stated): gnomAD 0.00001.
gnomAD v4.1: 7 of 1,613,904 alleles (0.00043%); highest among the groups gnomAD compares: African/African-American, 0.0013%; no homozygotes.

Submission:

Labcorp Genetics (formerly Invitae), Labcorp
Classification: Likely pathogenic for Infantile-onset ascending hereditary spastic paralysis. Last evaluated: 2025-10-30. Review status: criteria provided, single submitter. Criteria: Invitae Variant Classification Sherloc (09022015). Collection method: clinical testing. Allele origin: germline.
Comment: This sequence change affects a donor splice site in intron 32 of the ALS2 gene. It is expected to disrupt RNA splicing. Variants that disrupt the donor or acceptor splice site typically lead to a loss of protein function (PMID: 16199547), and loss-of-function variants in ALS2 are known to be pathogenic (PMID: 11586298, 24315819). This variant is not present in population databases (gnomAD no frequency). Disruption of this splice site has been observed in individual(s) with clinical features of ALS2-related conditions (internal data). ClinVar contains an entry for this variant (Variation ID: 2862603). Algorithms developed to predict the effect of sequence changes on RNA splicing suggest that this variant may disrupt the consensus splice site. In summary, the currently available evidence indicates that the variant is pathogenic, but additional data are needed to prove that conclusively. Therefore, this variant has been classified as Likely Pathogenic.

Literature cited by the submitters: PubMed 16199547; PubMed 11586298; PubMed 24315819.